The following is an entry in ClinVar:

NM_000089.4(COL1A2):c.1900G>C (p.Gly634Arg)

Gene: COL1A2 (collagen type I alpha 2 chain; plus strand). Cytogenetic location: 7q21.3.
Variant type: single nucleotide variant.
Coding change: c.1900G>C on transcript NM_000089.4 (MANE Select); coding-DNA position 1900, G replaced by C.
Protein change: p.Gly634Arg; replaces glycine 634 with arginine.
Molecular consequence: missense variant.
Genome position (GRCh38, 1-based): chr7:94,417,760, G>C. VCF-style: chr7-94417760-G-C. GRCh37 (hg19) VCF-style: chr7-94047072-G-C.
Other names: short protein forms G634R.
Identifiers: ClinVar variation 4990991 (VCV004990991.1).

ClinVar aggregate classification (germline): Likely pathogenic (1 of 4 stars; one submission).

Conditions:
COL1A2-related disorder. Also called: COL1A2-related condition; COL1A2-Related Disorders.

Submission:

PreventionGenetics, part of Exact Sciences
Classification: Likely pathogenic for COL1A2-related condition. Last evaluated: 2026-04-10. Review status: criteria provided, single submitter. Criteria: ACMG Guidelines, 2015. Collection method: clinical testing. Allele origin: germline.
Comment: The COL1A2 c.1900G>C variant is predicted to result in the amino acid substitution p.Gly634Arg. This variant has been reported in an individual with osteogenesis imperfecta type IV (see proband PUMC-349 in Table S1, Li et al. 2019. PubMed ID: 30715774). This variant has not been reported in a large population database (gnomAD), indicating this variant is rare. The p.Gly634 residue is located in the conserved Gly-Xaa-Yaa triple helical domain where substitutions of a glycine are usually pathogenic (Marini et al. 2007. PubMed ID: 17078022). In addition, an alternate missense change impacting the same glycine (p.Gly634Val) has been reported in an individual with osteogenesis imperfecta type III (Table S1, Bardai et al. 2016. PubMed ID: 27509835). Taken together, the c.1900G>C (p.Gly634Arg) variant is interpreted as likely pathogenic.